The following is an entry in ClinVar:

ClinVar aggregate classification (germline): Likely benign. Review status: criteria provided, multiple submitters, no conflicts (2 of 4 stars). 2 submissions from 2 submitters: Likely benign (2). Last evaluated 2024-06-03.

Conditions:
Familial cancer of breast. Also called: BREAST CANCER, FAMILIAL; Hereditary breast cancer; hereditary breast carcinoma. Identifiers: Orphanet 227535, MedGen C0346153, MONDO:0016419, OMIM 114480. Disease mechanism: loss of function.
Ataxia-telangiectasia syndrome (AT). Also called: ATAXIA-TELANGIECTASIA, COMPLEMENTATION GROUP A; ATAXIA-TELANGIECTASIA, FRESNO VARIANT; Ataxia-telangiectasia; Ataxia-telangiectasia, complementation group E; LOUIS-BAR SYNDROME; Cerebello-oculocutaneous telangiectasia. Identifiers: Orphanet 100, MedGen C0004135, MONDO:0008840, OMIM 208900.

Allele frequency attached by ClinVar (database versions not stated): gnomAD exomes below 0.00001.
gnomAD v4.1: 1 of 1,613,548 alleles (0.000062%); highest among the groups gnomAD compares: Non-Finnish European, 0.000085%; no homozygotes.

Submissions (2):

Myriad Genetics, Inc.
Classification: Likely benign for Familial cancer of breast. Last evaluated: 2024-06-03. Review status: criteria provided, single submitter. Criteria: Myriad Autosomal Dominant, Autosomal Recessive and X-Linked Classification Criteria (2023). Collection method: clinical testing. Allele origin: unknown.
Comment: This variant is considered likely benign. This variant is intronic and is not expected to impact mRNA splicing.

Labcorp Genetics (formerly Invitae), Labcorp
Classification: Likely benign for Ataxia-telangiectasia syndrome. Last evaluated: 2023-11-10. Review status: criteria provided, single submitter. Criteria: Invitae Variant Classification Sherloc (09022015). Collection method: clinical testing. Allele origin: germline.

NM_000051.4(ATM):c.6096-15A>T

Genes: ATM (ATM serine/threonine kinase; plus strand), C11orf65 (chromosome 11 open reading frame 65; minus strand). Cytogenetic location: 11q22.3.
Variant type: single nucleotide variant.
Coding change: c.6096-15A>T on transcript NM_000051.4 (MANE Select); 15 bases into the intron before coding-DNA position 6096, A replaced by T.
Molecular consequence: intron variant.
Genome position (GRCh38, 1-based): chr11:108,315,996, A>T. VCF-style: chr11-108315996-A-T. GRCh37 (hg19) VCF-style: chr11-108186723-A-T.
Other names: c.641-6925T>A (NM_001330368.2); c.*39-6925T>A (NM_001351110.2); c.6096-15A>T (NM_001351834.2).
Identifiers: ClinVar variation 2909648 (VCV002909648.4), dbSNP rs2136126146, ClinGen allele CA2615859435.